The following is an entry in ClinVar:

ClinVar aggregate classification (germline): Uncertain significance (1 of 4 stars; one submission).

Allele frequency attached by ClinVar (database versions not stated): gnomAD exomes below 0.00001.
gnomAD v4.1: 1 of 1,558,382 alleles (0.000064%); highest among the groups gnomAD compares: Non-Finnish European, 0.000088%; no homozygotes.

Submission:

GeneDx
Classification: Uncertain significance. Last evaluated: 2022-05-04. Review status: criteria provided, single submitter. Criteria: GeneDx Variant Classification Process June 2021. Collection method: clinical testing. Allele origin: germline. Affected: yes.
Comment: Not observed at significant frequency in large population cohorts (gnomAD); In silico analysis supports that this missense variant has a deleterious effect on protein structure/function; Has not been previously published as pathogenic or benign to our knowledge

NM_003076.5(SMARCD1):c.763C>G (p.Leu255Val)

Gene: SMARCD1 (SWI/SNF related BAF chromatin remodeling complex subunit D1; plus strand). Cytogenetic location: 12q13.12.
Variant type: single nucleotide variant.
Coding change: c.763C>G on transcript NM_003076.5 (MANE Select); coding-DNA position 763, C replaced by G.
Protein change: p.Leu255Val; replaces leucine 255 with valine.
Molecular consequence: missense variant.
Genome position (GRCh38, 1-based): chr12:50,088,629, C>G. VCF-style: chr12-50088629-C-G. GRCh37 (hg19) VCF-style: chr12-50482412-C-G.
Other names: c.763C>G, p.Leu255Val (NM_139071.3); short protein forms L255V.
Identifiers: ClinVar variation 1722902 (VCV001722902.2), dbSNP rs2539492838, ClinGen allele CA384787820.